The following is an entry in ClinVar:

ClinVar aggregate classification (germline): Uncertain significance (1 of 4 stars; one submission).

Conditions:
Familial thoracic aortic aneurysm and aortic dissection (TAAD). Also called: Thoracic aortic aneurysms and dissections. Identifiers: Orphanet 91387, MedGen C4707243, MONDO:0019625.

Submission:

Ambry Genetics
Classification: Uncertain significance for Familial thoracic aortic aneurysm and aortic dissection. Last evaluated: 2026-04-12. Review status: criteria provided, single submitter. Criteria: Ambry Variant Classification Scheme 2023. Collection method: clinical testing. Allele origin: germline.
Comment: The p.N793I variant (also known as c.2378A>T), located in coding exon 35 of the COL5A2 gene, results from an A to T substitution at nucleotide position 2378. The asparagine at codon 793 is replaced by isoleucine, an amino acid with dissimilar properties. This amino acid position is conserved. In addition, the in silico prediction for this alteration is inconclusive. Based on the available evidence, the clinical significance of this variant remains unclear.

NM_000393.5(COL5A2):c.2378A>T (p.Asn793Ile)

Gene: COL5A2 (collagen type V alpha 2 chain; minus strand). Cytogenetic location: 2q32.2.
Variant type: single nucleotide variant.
Coding change: c.2378A>T on transcript NM_000393.5 (MANE Select); coding-DNA position 2378, A replaced by T.
Protein change: p.Asn793Ile; replaces asparagine 793 with isoleucine.
Molecular consequence: missense variant.
Genome position (GRCh38, 1-based): chr2:189,056,986, T>A on the plus strand (A>T on the coding strand, the complement: COL5A2 is on the minus strand). VCF-style: chr2-189056986-T-A. GRCh37 (hg19) VCF-style: chr2-189921712-T-A.
Other names: short protein forms N793I.
Identifiers: ClinVar variation 4869269 (VCV004869269.1).